The following is an entry in ClinVar:

NM_005559.4(LAMA1):c.5829G>A (p.Ala1943=)

Gene: LAMA1 (laminin subunit alpha 1; minus strand). Cytogenetic location: 18p11.31.
Variant type: single nucleotide variant.
Coding change: c.5829G>A on transcript NM_005559.4 (MANE Select); coding-DNA position 5829, G replaced by A.
Protein change: p.Ala1943=; no amino-acid change (alanine 1943 retained).
Molecular consequence: synonymous variant.
Genome position (GRCh38, 1-based): chr18:6,982,558, C>T on the plus strand (G>A on the coding strand, the complement: LAMA1 is on the minus strand). VCF-style: chr18-6982558-C-T. GRCh37 (hg19) VCF-style: chr18-6982557-C-T.
Identifiers: ClinVar variation 3250817 (VCV003250817.20), dbSNP rs779914431.

ClinVar aggregate classification (germline): Likely benign. Review status: criteria provided, multiple submitters, no conflicts (2 of 4 stars). 2 submissions from 2 submitters: Likely benign (2). Last evaluated 2024-07-12.

Allele frequency attached by ClinVar (database versions not stated): TOPMed 0.00004; gnomAD 0.00005.
gnomAD v4.1: 12 of 1,614,052 alleles (0.00074%); highest among the groups gnomAD compares: African/African-American, 0.012%; no homozygotes.

Submissions (2):

Labcorp Genetics (formerly Invitae), Labcorp
Classification: Likely benign. Last evaluated: 2024-07-12. Review status: criteria provided, single submitter. Criteria: Invitae Variant Classification Sherloc (09022015). Collection method: clinical testing. Allele origin: germline.

CeGaT Center for Human Genetics Tuebingen
Classification: Likely benign. Last evaluated: 2024-06-01. Review status: criteria provided, single submitter. Criteria: CeGaT Center For Human Genetics Tuebingen Variant Classification Criteria Version 2. Collection method: clinical testing. Allele origin: germline. Affected: yes. Observed: 1 variant allele.
Comment: LAMA1: BP4, BP7